The following is an entry in ClinVar:

ClinVar aggregate classification (germline): Benign/Likely benign. Review status: criteria provided, multiple submitters, no conflicts (2 of 4 stars). 4 submissions from 4 submitters: Benign (1); Likely benign (3). Last evaluated 2026-03-01.

Conditions:
Familial thoracic aortic aneurysm and aortic dissection (TAAD). Also called: Thoracic aortic aneurysms and dissections. Identifiers: Orphanet 91387, MedGen C4707243, MONDO:0019625.
FG syndrome (FGS). Identifiers: MedGen C0220769, MONDO:0002010.

Allele frequency attached by ClinVar (database versions not stated): gnomAD exomes below 0.00001 and 0.00002; ExAC 0.00002; gnomAD 0.00005 and 0.00006; TOPMed 0.00006; ESP Exome Variant Server 0.00010; 1000 Genomes Project 30x 0.00021; 1000 Genomes Project 0.00026.
gnomAD v4.1: 10 of 1,208,457 alleles (0.00083%); highest among the groups gnomAD compares: African/African-American, 0.014%; no homozygotes.

Submissions (4):

CeGaT Center for Human Genetics Tuebingen
Classification: Likely benign. Last evaluated: 2026-03-01. Review status: criteria provided, single submitter. Criteria: CeGaT Center For Human Genetics Tuebingen Variant Classification Criteria Version 2. Collection method: clinical testing. Allele origin: germline. Affected: yes. Observed: 1 variant allele.
Comment: MED12: BP4, BP7

Labcorp Genetics (formerly Invitae), Labcorp
Classification: Benign for FG syndrome. Last evaluated: 2025-11-27. Review status: criteria provided, single submitter. Criteria: Invitae Variant Classification Sherloc (09022015). Collection method: clinical testing. Allele origin: germline.

Ambry Genetics
Classification: Likely benign for Familial thoracic aortic aneurysm and aortic dissection. Last evaluated: 2020-01-02. Review status: criteria provided, single submitter. Criteria: Ambry Variant Classification Scheme 2023. Collection method: clinical testing. Allele origin: germline.

GeneDx
Classification: Likely benign. Last evaluated: 2016-01-15. Review status: criteria provided, single submitter. Criteria: GeneDx Variant Classification (06012015). Collection method: clinical testing. Allele origin: germline. Affected: yes.
Comment: This variant is considered likely benign or benign based on one or more of the following criteria: it is a conservative change, it occurs at a poorly conserved position in the protein, it is predicted to be benign by multiple in silico algorithms, and/or has population frequency not consistent with disease.

NM_005120.3(MED12):c.6072A>T (p.Thr2024=)

Gene: MED12 (mediator complex subunit 12; plus strand). Cytogenetic location: Xq13.1.
Variant type: single nucleotide variant.
Coding change: c.6072A>T on transcript NM_005120.3 (MANE Select); coding-DNA position 6072, A replaced by T.
Protein change: p.Thr2024=; no amino-acid change (threonine 2024 retained).
Molecular consequence: synonymous variant.
Genome position (GRCh38, 1-based): chrX:71,140,662, A>T. VCF-style: chrX-71140662-A-T. GRCh37 (hg19) VCF-style: chrX-70360512-A-T.
Identifiers: ClinVar variation 383147 (VCV000383147.16), dbSNP rs200692655, ClinGen allele CA10444870.